The following is an entry in ClinVar:

ClinVar aggregate classification (germline): Uncertain significance. Review status: criteria provided, multiple submitters, no conflicts (2 of 4 stars). 2 submissions from 2 submitters: Uncertain significance (2). Last evaluated 2025-06-20.

Conditions:
Bethlem myopathy 1A. Also called: MYOPATHY, BENIGN CONGENITAL, WITH CONTRACTURES; Bethlem myopathy 1; Bethlem Muscular Dystrophy. Identifiers: Orphanet 610, MedGen CN029274, MONDO:0024530, OMIM 158810.
Inborn genetic diseases. Identifiers: MedGen C0950123, MeSH D030342.

Allele frequency attached by ClinVar (database versions not stated): gnomAD exomes below 0.00001; TOPMed 0.00001.
gnomAD v4.1: 4 of 1,613,948 alleles (0.00025%); highest among the groups gnomAD compares: Non-Finnish European, 0.00034%; no homozygotes.

Submissions (2):

Labcorp Genetics (formerly Invitae), Labcorp
Classification: Uncertain significance for Bethlem myopathy 1A. Last evaluated: 2025-06-20. Review status: criteria provided, single submitter. Criteria: Invitae Variant Classification Sherloc (09022015). Collection method: clinical testing. Allele origin: germline.
Comment: This sequence change replaces proline, which is neutral and non-polar, with serine, which is neutral and polar, at codon 2361 of the COL6A3 protein (p.Pro2361Ser). This variant is present in population databases (no rsID available, gnomAD 0.0009%). This variant has not been reported in the literature in individuals affected with COL6A3-related conditions. ClinVar contains an entry for this variant (Variation ID: 1522501). Invitae Evidence Modeling of protein sequence and biophysical properties (such as structural, functional, and spatial information, amino acid conservation, physicochemical variation, residue mobility, and thermodynamic stability) indicates that this missense variant is not expected to disrupt COL6A3 protein function with a negative predictive value of 80%. In summary, the available evidence is currently insufficient to determine the role of this variant in disease. Therefore, it has been classified as a Variant of Uncertain Significance.

Ambry Genetics
Classification: Uncertain significance for Inborn genetic diseases. Last evaluated: 2025-04-20. Review status: criteria provided, single submitter. Criteria: Ambry Variant Classification Scheme 2023. Collection method: clinical testing. Allele origin: germline.

NM_004369.4(COL6A3):c.7081C>T (p.Pro2361Ser)

Gene: COL6A3 (collagen type VI alpha 3 chain; minus strand). Cytogenetic location: 2q37.3.
Variant type: single nucleotide variant.
Coding change: c.7081C>T on transcript NM_004369.4 (MANE Select); coding-DNA position 7081, C replaced by T.
Protein change: p.Pro2361Ser; replaces proline 2361 with serine.
Molecular consequence: missense variant.
Genome position (GRCh38, 1-based): chr2:237,346,514, G>A on the plus strand (C>T on the coding strand, the complement: COL6A3 is on the minus strand). VCF-style: chr2-237346514-G-A. GRCh37 (hg19) VCF-style: chr2-238255157-G-A.
Other names: c.5260C>T, p.Pro1754Ser (NM_057166.5); c.6463C>T, p.Pro2155Ser (NM_057167.4); c.7081C>T (NM_004369.3); short protein forms P2361S, P1754S, P2155S.
Identifiers: ClinVar variation 1522501 (VCV001522501.7), dbSNP rs934983963, ClinGen allele CA67841114.
Genomic context (GRCh38, chr2:237,346,514, plus strand): 5'-TAAAGCACCCAGCCCCAGGTGGCCGGGTCAGAACTGGATAAATACTTACAGCTGGTCCTG[G>A]GTAGCCAGGGTCTCCCTTCTGTCCAACTATCCCTGGAGGTCCCGAATTTCCCTAGAGGGA-3'
Protein context (NP_004360.2, residues 2351-2371): IVGQKGDPGY[Pro2361Ser]GPAGPKGNRG